The following is an entry in ClinVar:

ClinVar aggregate classification (germline): Uncertain significance (1 of 4 stars; one submission).

Allele frequency attached by ClinVar (database versions not stated): TOPMed 0.00002; ExAC 0.00004; gnomAD 0.00004 and 0.00005; gnomAD exomes 0.00004 and 0.00011; 1000 Genomes Project 0.00020; 1000 Genomes Project 30x 0.00031.
gnomAD v4.1: 156 of 1,603,920 alleles (0.0097%); highest among the groups gnomAD compares: Middle Eastern, 0.05%; no homozygotes.

Submission:

Labcorp Genetics (formerly Invitae), Labcorp
Classification: Uncertain significance. Last evaluated: 2024-05-22. Review status: criteria provided, single submitter. Criteria: Invitae Variant Classification Sherloc (09022015). Collection method: clinical testing. Allele origin: germline.
Comment: This sequence change replaces arginine, which is basic and polar, with cysteine, which is neutral and slightly polar, at codon 236 of the CREB3L1 protein (p.Arg236Cys). This variant is present in population databases (rs565308246, gnomAD 0.01%). This variant has not been reported in the literature in individuals affected with CREB3L1-related conditions. ClinVar contains an entry for this variant (Variation ID: 1396988). An algorithm developed to predict the effect of missense changes on protein structure and function (PolyPhen-2) suggests that this variant is likely to be disruptive. In summary, the available evidence is currently insufficient to determine the role of this variant in disease. Therefore, it has been classified as a Variant of Uncertain Significance.

NM_052854.4(CREB3L1):c.706C>T (p.Arg236Cys)

Gene: CREB3L1 (cAMP responsive element binding protein 3 like 1; plus strand). Cytogenetic location: 11p11.2.
Variant type: single nucleotide variant.
Coding change: c.706C>T on transcript NM_052854.4 (MANE Select); coding-DNA position 706, C replaced by T.
Protein change: p.Arg236Cys; replaces arginine 236 with cysteine.
Molecular consequence: missense variant.
Genome position (GRCh38, 1-based): chr11:46,311,142, C>T. VCF-style: chr11-46311142-C-T. GRCh37 (hg19) VCF-style: chr11-46332693-C-T.
Other names: short protein forms R236C.
Identifiers: ClinVar variation 1396988 (VCV001396988.6), dbSNP rs565308246, ClinGen allele CA5961668.